The following is an entry in ClinVar:

NM_207122.2(EXT2):c.2084G>A (p.Arg695Gln)

Gene: EXT2 (exostosin glycosyltransferase 2; plus strand). Cytogenetic location: 11p11.2.
Variant type: single nucleotide variant.
Coding change: c.2084G>A on transcript NM_207122.2 (MANE Select); coding-DNA position 2084, G replaced by A.
Protein change: p.Arg695Gln; replaces arginine 695 with glutamine.
Molecular consequence: missense variant.
Genome position (GRCh38, 1-based): chr11:44,244,214, G>A. VCF-style: chr11-44244214-G-A. GRCh37 (hg19) VCF-style: chr11-44265764-G-A.
Other names: c.2183G>A, p.Arg728Gln (NM_000401.3); c.2114G>A, p.Arg705Gln (NM_001178083.3); c.2084G>A (NM_207122.1); short protein forms R695Q, R705Q, R728Q.
Identifiers: ClinVar variation 993803 (VCV000993803.9), dbSNP rs1956071680, ClinGen allele CA380178583.

ClinVar aggregate classification (germline): Uncertain significance. Review status: criteria provided, multiple submitters, no conflicts (2 of 4 stars). 2 submissions from 2 submitters: Uncertain significance (2). Last evaluated 2026-02-12.

Submissions (2):

GeneDx
Classification: Uncertain significance. Last evaluated: 2026-02-12. Review status: criteria provided, single submitter. Criteria: GeneDx Variant Classification Process June 2021. Collection method: clinical testing. Allele origin: germline.
Comment: Not observed at significant frequency in large population cohorts (gnomAD); In silico analysis supports that this missense variant has a deleterious effect on protein structure/function; Has not been previously published as pathogenic or benign to our knowledge

ARUP Laboratories, Molecular Genetics and Genomics, ARUP Laboratories
Classification: Uncertain significance. Last evaluated: 2019-11-25. Review status: criteria provided, single submitter. Criteria: ARUP Molecular Germline Variant Investigation Process. Collection method: clinical testing. Allele origin: germline.